The following is an entry in ClinVar:

NM_018136.5(ASPM):c.4407del (p.Ile1470fs)

Gene: ASPM (assembly factor for spindle microtubules; minus strand). Cytogenetic location: 1q31.3.
Variant type: Deletion.
Coding change: c.4407del on transcript NM_018136.5 (MANE Select); coding-DNA position 4407, one base deleted (T; older notation c.4407delT).
Protein change: p.Ile1470fs; shifts the reading frame from isoleucine 1470.
Molecular consequence: frameshift variant. On other transcripts: intron variant (1).
Genome position (GRCh38, 1-based): chr1:197,104,844, A deleted on the plus strand (T on the coding strand, the reverse complement: ASPM is on the minus strand); the first of 2 consecutive A bases (chr1:197,104,844-197,104,845); deleting either gives the same sequence. VCF-style (leftmost placement, unchanged base first): chr1-197104843-TA-T. GRCh37 (hg19) VCF-style: chr1-197073973-TA-T.
Other names: c.4066-8680del (NM_001206846.2); short protein forms I1470fs.
Identifiers: ClinVar variation 2978160 (VCV002978160.3), dbSNP rs2527306042, ClinGen allele CA2649662001.

ClinVar aggregate classification (germline): Pathogenic (1 of 4 stars; one submission).

Submission:

Labcorp Genetics (formerly Invitae), Labcorp
Classification: Pathogenic. Last evaluated: 2023-01-01. Review status: criteria provided, single submitter. Criteria: Invitae Variant Classification Sherloc (09022015). Collection method: clinical testing. Allele origin: germline.
Comment: For these reasons, this variant has been classified as Pathogenic. This variant has not been reported in the literature in individuals affected with ASPM-related conditions. This variant is not present in population databases (gnomAD no frequency). This sequence change creates a premature translational stop signal (p.Ile1470Serfs*46) in the ASPM gene. It is expected to result in an absent or disrupted protein product. Loss-of-function variants in ASPM are known to be pathogenic (PMID: 19028728, 23611254).

Literature cited by the submitters: PubMed 19028728; PubMed 23611254.